The following is an entry in ClinVar:

NM_001256545.2(MEGF10):c.319+1G>C

Gene: MEGF10 (multiple EGF like domains 10; plus strand). Cytogenetic location: 5q23.2.
Variant type: single nucleotide variant.
Coding change: c.319+1G>C on transcript NM_001256545.2 (MANE Select); the canonical splice donor site of the intron after coding-DNA position 319, G replaced by C.
Molecular consequence: splice donor variant.
Genome position (GRCh38, 1-based): chr5:127,340,631, G>C. VCF-style: chr5-127340631-G-C. GRCh37 (hg19) VCF-style: chr5-126676323-G-C.
Other names: c.319+1G>C (NM_032446.3, NM_001308119.2, NM_001308121.2).
Identifiers: ClinVar variation 472741 (VCV000472741.7), dbSNP rs931073338, ClinGen allele CA360823058.

ClinVar aggregate classification (germline): Likely pathogenic (1 of 4 stars; one submission).

Conditions:
MEGF10-related myopathy (CMYO10A). Also called: Congenital myopathy 10A, severe variant. Identifiers: Orphanet 439212, MedGen C3280679, MONDO:0013731, OMIM 614399.

gnomAD v4.1: 2 of 1,610,764 alleles (0.00012%); highest among the groups gnomAD compares: Non-Finnish European, 0.00017%; no homozygotes.

Submission:

Labcorp Genetics (formerly Invitae), Labcorp
Classification: Likely pathogenic for MEGF10-related myopathy. Last evaluated: 2021-12-23. Review status: criteria provided, single submitter. Criteria: Invitae Variant Classification Sherloc (09022015). Collection method: clinical testing. Allele origin: germline.
Comment: This sequence change affects a donor splice site in intron 5 of the MEGF10 gene. It is expected to disrupt RNA splicing. Variants that disrupt the donor or acceptor splice site typically lead to a loss of protein function (PMID: 16199547), and loss-of-function variants in MEGF10 are known to be pathogenic (PMID: 22101682, 22371254, 23453856, 23954233). This variant is not present in population databases (gnomAD no frequency). This variant has not been reported in the literature in individuals affected with MEGF10-related conditions. ClinVar contains an entry for this variant (Variation ID: 472741). Algorithms developed to predict the effect of sequence changes on RNA splicing suggest that this variant may disrupt the consensus splice site. In summary, the currently available evidence indicates that the variant is pathogenic, but additional data are needed to prove that conclusively. Therefore, this variant has been classified as Likely Pathogenic.

Literature cited by the submitters: PubMed 16199547; PubMed 22101682; PubMed 22371254; PubMed 23453856; PubMed 23954233.